The following is an entry in ClinVar:

NM_001367624.2(ZNF469):c.3475G>C (p.Gly1159Arg)

Gene: ZNF469 (zinc finger protein 469; plus strand). Cytogenetic location: 16q24.2.
Variant type: single nucleotide variant.
Coding change: c.3475G>C on transcript NM_001367624.2 (MANE Select); coding-DNA position 3475, G replaced by C.
Protein change: p.Gly1159Arg; replaces glycine 1159 with arginine.
Molecular consequence: missense variant.
Genome position (GRCh38, 1-based): chr16:88,430,945, G>C. VCF-style: chr16-88430945-G-C. GRCh37 (hg19) VCF-style: chr16-88497353-G-C.
Other names: short protein forms G1159R.
Identifiers: ClinVar variation 4762382 (VCV004762382.1).

ClinVar aggregate classification (germline): Uncertain significance (1 of 4 stars; one submission).

Submission:

Labcorp Genetics (formerly Invitae), Labcorp
Classification: Uncertain significance. Last evaluated: 2025-09-28. Review status: criteria provided, single submitter. Criteria: Invitae Variant Classification Sherloc (09022015). Collection method: clinical testing. Allele origin: germline.
Comment: This sequence change replaces glycine, which is neutral and non-polar, with arginine, which is basic and polar, at codon 1131 of the ZNF469 protein (p.Gly1131Arg). This variant is not present in population databases (gnomAD no frequency). This variant has not been reported in the literature in individuals affected with ZNF469-related conditions. An algorithm developed to predict the effect of missense changes on protein structure and function (PolyPhen-2) suggests that this variant is likely to be disruptive. In summary, the available evidence is currently insufficient to determine the role of this variant in disease. Therefore, it has been classified as a Variant of Uncertain Significance.